The following is an entry in ClinVar:

ClinVar aggregate classification (germline): Uncertain significance (1 of 4 stars; one submission).

Submission:

Labcorp Genetics (formerly Invitae), Labcorp
Classification: Uncertain significance. Last evaluated: 2022-08-16. Review status: criteria provided, single submitter. Criteria: Invitae Variant Classification Sherloc (09022015). Collection method: clinical testing. Allele origin: germline.
Comment: In summary, the available evidence is currently insufficient to determine the role of this variant in disease. Therefore, it has been classified as a Variant of Uncertain Significance. Algorithms developed to predict the effect of missense changes on protein structure and function output the following: SIFT: "Tolerated"; PolyPhen-2: "Benign"; Align-GVGD: "Class C0". The proline amino acid residue is found in multiple mammalian species, which suggests that this missense change does not adversely affect protein function. ClinVar contains an entry for this variant (Variation ID: 1474913). This variant has not been reported in the literature in individuals affected with PCARE-related conditions. This variant is not present in population databases (gnomAD no frequency). This sequence change replaces serine, which is neutral and polar, with proline, which is neutral and non-polar, at codon 1147 of the PCARE protein (p.Ser1147Pro).

NM_001029883.3(PCARE):c.3439T>C (p.Ser1147Pro)

Gene: PCARE (photoreceptor cilium actin regulator; minus strand). Cytogenetic location: 2p23.2.
Variant type: single nucleotide variant.
Coding change: c.3439T>C on transcript NM_001029883.3 (MANE Select); coding-DNA position 3439, T replaced by C.
Protein change: p.Ser1147Pro; replaces serine 1147 with proline.
Molecular consequence: missense variant.
Genome position (GRCh38, 1-based): chr2:29,070,823, A>G on the plus strand (T>C on the coding strand, the complement: PCARE is on the minus strand). VCF-style: chr2-29070823-A-G. GRCh37 (hg19) VCF-style: chr2-29293689-A-G.
Other names: short protein forms S1147P.
Identifiers: ClinVar variation 1474913 (VCV001474913.8), dbSNP rs1667461245, ClinGen allele CA346474916.